The following is an entry in ClinVar:

ClinVar aggregate classification (germline): Conflicting classifications of pathogenicity. Review status: criteria provided, conflicting classifications (1 of 4 stars). 8 submissions from 7 submitters: Uncertain significance (6); Likely benign (2). Last evaluated 2025-11-25.

Conditions:
Catecholaminergic polymorphic ventricular tachycardia (CVPT). Also called: Catecholamine-induced polymorphic ventricular tachycardia. Identifiers: Orphanet 3286, MedGen C5574922, MONDO:0017990.
Cardiomyopathy (CMYO). Also called: Cardiomyopathies. Identifiers: Orphanet 167848, MedGen C0878544, MONDO:0004994, HP:0001638. Inheritance: Various modes of inheritance.
Cardiovascular phenotype. Identifiers: MedGen CN230736.
Arrhythmogenic right ventricular dysplasia 2. Identifiers: MedGen C1832931.
Catecholaminergic polymorphic ventricular tachycardia 1. Also called: RYR2-Related Catecholaminergic Polymorphic Ventricular Tachycardia; VENTRICULAR TACHYCARDIA, CATECHOLAMINERGIC POLYMORPHIC, 1, WITH OR WITHOUT ATRIAL DYSFUNCTION AND/OR DILATED CARDIOMYOPATHY; VENTRICULAR TACHYCARDIA, STRESS-INDUCED POLYMORPHIC 1. Identifiers: Orphanet 3286, MedGen C1631597, MONDO:0011484, OMIM 604772.

Allele frequency attached by ClinVar (database versions not stated): ExAC 0.00004; gnomAD 0.00006 and 0.00007; gnomAD exomes 0.00006; TOPMed 0.00006; 1000 Genomes Project 30x 0.00016; 1000 Genomes Project 0.00020.
gnomAD v4.1: 165 of 1,575,256 alleles (0.01%); highest among the groups gnomAD compares: Non-Finnish European, 0.013%; no homozygotes.

Submissions (8):

Labcorp Genetics (formerly Invitae), Labcorp
Classification: Uncertain significance for Catecholaminergic polymorphic ventricular tachycardia 1. Last evaluated: 2025-11-25. Review status: criteria provided, single submitter. Criteria: Invitae Variant Classification Sherloc (09022015). Collection method: clinical testing. Allele origin: germline.
Comment: This sequence change falls in intron 75 of the RYR2 gene. It does not directly change the encoded amino acid sequence of the RYR2 protein. It affects a nucleotide within the consensus splice site. This variant is present in population databases (rs116444428, gnomAD 0.01%). This variant has not been reported in the literature in individuals affected with RYR2-related conditions. ClinVar contains an entry for this variant (Variation ID: 626623). Variants that disrupt the consensus splice site are a relatively common cause of aberrant splicing (PMID: 17576681, 9536098). Algorithms developed to predict the effect of sequence changes on RNA splicing suggest that this variant is not likely to affect RNA splicing. In summary, the available evidence is currently insufficient to determine the role of this variant in disease. Therefore, it has been classified as a Variant of Uncertain Significance.

Ambry Genetics
Classification: Uncertain significance for Cardiovascular phenotype. Last evaluated: 2024-08-29. Review status: criteria provided, single submitter. Criteria: Ambry Variant Classification Scheme 2023. Collection method: clinical testing. Allele origin: germline.
Comment: The c.10725+4A>T variant results from an A to T substitution 4 nucleotides after coding exon 75 in the RYR2 gene. This nucleotide position is highly conserved in available vertebrate species. In silico splice site analysis predicts that this alteration will not have any significant effect on splicing. Since supporting evidence is limited at this time, the clinical significance of this alteration remains unclear.

GeneDx
Classification: Uncertain significance. Last evaluated: 2024-01-25. Review status: criteria provided, single submitter. Criteria: GeneDx Variant Classification Process June 2021. Collection method: clinical testing. Allele origin: germline. Affected: yes.
Comment: Has not been previously published as pathogenic or benign to our knowledge; In silico analysis supports that this variant does not alter splicing

All of Us Research Program, National Institutes of Health
Classification: Likely benign for Catecholaminergic polymorphic ventricular tachycardia. Last evaluated: 2024-01-11. Review status: criteria provided, single submitter. Criteria: ACMG Guidelines, 2015. Collection method: clinical testing. Allele origin: germline. Inheritance: Autosomal dominant inheritance. Observed: 20 variant alleles, 20 heterozygotes.
Comment: This study involves interpretation of variants in research participants for the purpose of population health screening. Participant phenotype was not available at the time of variant classification. Additional details can be found in publication PMID: 35346344, PMCID: PMC8962531

CHEO Genetics Diagnostic Laboratory, Children's Hospital of Eastern Ontario
Classification: Uncertain significance for Cardiomyopathy. Last evaluated: 2019-12-09. Review status: criteria provided, single submitter. Criteria: ACMG Guidelines, 2015. Collection method: clinical testing. Allele origin: germline. Study: Canadian Open Genetics Repository.

Color Diagnostics, LLC DBA Color Health
Classification: Likely benign for Cardiomyopathy. Last evaluated: 2018-11-16. Review status: criteria provided, single submitter. Criteria: ACMG Guidelines, 2015. Collection method: clinical testing. Allele origin: germline.

Illumina Laboratory Services, Illumina
Classification: Uncertain significance for Catecholaminergic polymorphic ventricular tachycardia 1. Last evaluated: 2018-01-19. Review status: criteria provided, single submitter. Criteria: ICSL Variant Classification Criteria 13 December 2019. Collection method: clinical testing. Allele origin: germline.

Illumina Laboratory Services, Illumina
Classification: Uncertain significance for Catecholaminergic polymorphic ventricular tachycardia 1. Last evaluated: 2018-01-19. Review status: criteria provided, single submitter. Criteria: ICSL Variant Classification Criteria 13 December 2019. Collection method: clinical testing. Allele origin: germline.

Literature cited by the submitters: PubMed 17576681 (cited by Labcorp Genetics (formerly Invitae), Labcorp); PubMed 9536098 (cited by Labcorp Genetics (formerly Invitae), Labcorp).

NM_001035.3(RYR2):c.10725+4A>T

Gene: RYR2 (ryanodine receptor 2; plus strand). Cytogenetic location: 1q43.
Variant type: single nucleotide variant.
Coding change: c.10725+4A>T on transcript NM_001035.3 (MANE Select); 4 bases into the intron after coding-DNA position 10725, A replaced by T.
Molecular consequence: intron variant.
Genome position (GRCh38, 1-based): chr1:237,726,312, A>T. VCF-style: chr1-237726312-A-T. GRCh37 (hg19) VCF-style: chr1-237889612-A-T.
Other names: c.10725+4A>T (LRG_402t1).
Identifiers: ClinVar variation 626623 (VCV000626623.24), dbSNP rs116444428, ClinGen allele CA084497.